The following is an entry in ClinVar:

ClinVar aggregate classification (germline): Uncertain significance (1 of 4 stars; one submission).

Allele frequency attached by ClinVar (database versions not stated): gnomAD exomes below 0.00001; TOPMed below 0.00001; gnomAD 0.00001.
gnomAD v4.1: 5 of 1,581,214 alleles (0.00032%); highest among the groups gnomAD compares: South Asian, 0.0045%; no homozygotes.

Submission:

Labcorp Genetics (formerly Invitae), Labcorp
Classification: Uncertain significance. Last evaluated: 2023-03-26. Review status: criteria provided, single submitter. Criteria: Invitae Variant Classification Sherloc (09022015). Collection method: clinical testing. Allele origin: germline.
Comment: This sequence change replaces isoleucine, which is neutral and non-polar, with valine, which is neutral and non-polar, at codon 142 of the ASAH1 protein (p.Ile142Val). This variant is not present in population databases (gnomAD no frequency). This variant has not been reported in the literature in individuals affected with ASAH1-related conditions. ClinVar contains an entry for this variant (Variation ID: 1942019). Advanced modeling of protein sequence and biophysical properties (such as structural, functional, and spatial information, amino acid conservation, physicochemical variation, residue mobility, and thermodynamic stability) performed at Invitae indicates that this missense variant is not expected to disrupt ASAH1 protein function. In summary, the available evidence is currently insufficient to determine the role of this variant in disease. Therefore, it has been classified as a Variant of Uncertain Significance.

NM_177924.5(ASAH1):c.424A>G (p.Ile142Val)

Gene: ASAH1 (N-acylsphingosine amidohydrolase 1; minus strand). Cytogenetic location: 8p22.
Variant type: single nucleotide variant.
Coding change: c.424A>G on transcript NM_177924.5 (MANE Select); coding-DNA position 424, A replaced by G.
Protein change: p.Ile142Val; replaces isoleucine 142 with valine.
Molecular consequence: missense variant.
Genome position (GRCh38, 1-based): chr8:18,064,490, T>C on the plus strand (A>G on the coding strand, the complement: ASAH1 is on the minus strand). VCF-style: chr8-18064490-T-C. GRCh37 (hg19) VCF-style: chr8-17921999-T-C.
Other names: c.406A>G, p.Ile136Val (NM_001127505.3); c.229A>G, p.Ile77Val (NM_001363743.2); c.472A>G, p.Ile158Val (NM_004315.6); short protein forms I77V, I142V, I158V, I136V.
Identifiers: ClinVar variation 1942019 (VCV001942019.5), dbSNP rs17856515, ClinGen allele CA173143515.